The following is an entry in ClinVar:

NM_000038.6(APC):c.3503A>T (p.Glu1168Val)

Gene: APC (APC regulator of Wnt signaling pathway; plus strand). Cytogenetic location: 5q22.2.
Variant type: single nucleotide variant.
Coding change: c.3503A>T on transcript NM_000038.6 (MANE Select); coding-DNA position 3503, A replaced by T.
Protein change: p.Glu1168Val; replaces glutamic acid 1168 with valine.
Molecular consequence: missense variant.
Genome position (GRCh38, 1-based): chr5:112,839,097, A>T. VCF-style: chr5-112839097-A-T. GRCh37 (hg19) VCF-style: chr5-112174794-A-T.
Other names: c.3503A>T, p.Glu1168Val (NM_001127510.3, NM_001354895.2); c.3449A>T, p.Glu1150Val (NM_001127511.3); c.3557A>T, p.Glu1186Val (NM_001354896.2); c.3533A>T, p.Glu1178Val (NM_001354897.2); c.3428A>T, p.Glu1143Val (NM_001354898.2); c.3419A>T, p.Glu1140Val (NM_001354899.2); c.3380A>T, p.Glu1127Val (NM_001354900.2); c.3326A>T, p.Glu1109Val (NM_001354901.2); and 5 more; short protein forms E1008V, E1109V, E1143V, E1077V, E1178V, E1186V, E885V, E1140V.
Identifiers: ClinVar variation 963536 (VCV000963536.11), dbSNP rs1765441730, ClinGen allele CA16029027.
Genomic context (GRCh38, chr5:112,839,097, plus strand): 5'-CTGAAGAAGAACAGCATGAAGAAGAAGAGAGACCAACAAATTATAGCATAAAATATAATG[A>T]AGAGAAACGTCATGTGGATCAGCCTATTGATTATAGTTTAAAATATGCCACAGATATTCC-3'
Protein context (NP_000029.2, residues 1158-1178): RPTNYSIKYN[Glu1168Val]EKRHVDQPID

ClinVar aggregate classification (germline): Uncertain significance (1 of 4 stars; one submission).

Conditions:
Familial adenomatous polyposis 1 (FAP1). Also called: FAMILIAL ADENOMATOUS POLYPOSIS 1, ATTENUATED; POLYPOSIS, ADENOMATOUS INTESTINAL. Identifiers: MedGen C2713442, MONDO:0021056, OMIM 175100. Disease mechanism: loss of function.

Submission:

Labcorp Genetics (formerly Invitae), Labcorp
Classification: Uncertain significance for Familial adenomatous polyposis 1. Last evaluated: 2019-07-05. Review status: criteria provided, single submitter. Criteria: Invitae Variant Classification Sherloc (09022015). Collection method: clinical testing. Allele origin: germline.
Comment: This variant has not been reported in the literature in individuals with APC-related conditions. Algorithms developed to predict the effect of missense changes on protein structure and function are either unavailable or do not agree on the potential impact of this missense change (SIFT: "Deleterious"; PolyPhen-2: "Benign"; Align-GVGD: "Class C0"). In summary, the available evidence is currently insufficient to determine the role of this variant in disease. Therefore, it has been classified as a Variant of Uncertain Significance. This variant is not present in population databases (ExAC no frequency). This sequence change replaces glutamic acid with valine at codon 1168 of the APC protein (p.Glu1168Val). The glutamic acid residue is highly conserved and there is a moderate physicochemical difference between glutamic acid and valine.